The following is an entry in ClinVar:

ClinVar aggregate classification (germline): Conflicting classifications of pathogenicity. Review status: criteria provided, conflicting classifications (1 of 4 stars). 9 submissions from 9 submitters: Uncertain significance (3); Likely benign (6). Last evaluated 2026-05-12.

Conditions:
Cardiovascular phenotype. Identifiers: MedGen CN230736.
Hypercholesterolemia, familial, 4 (FHCL4). Also called: HYPERCHOLESTEROLEMIA, AUTOSOMAL RECESSIVE, 1; HYPERCHOLESTEROLEMIA, AUTOSOMAL RECESSIVE, 2. Identifiers: Orphanet 391665, MedGen C1863512, MONDO:0011374, OMIM 603813.

Submissions (9):

Women's Health and Genetics/Laboratory Corporation of America, LabCorp
Classification: Likely benign. Last evaluated: 2026-05-12. Review status: criteria provided, single submitter. Criteria: LabCorp Variant Classification Summary - May 2015. Collection method: clinical testing. Allele origin: germline.
Comment: Variant summary: LDLRAP1 c.604_605delinsCA (p.Ser202His) results in a non-conservative amino acid change in the encoded protein sequence. Algorithms developed to predict the effect of missense changes on protein structure and function are either unavailable or do not agree on the potential impact of this missense change. The variant allele was found at a frequency of 0.0012 in 281882 control chromosomes, predominantly at a frequency of 0.003 within the African or African-American subpopulation in the gnomAD database. The available data on variant occurrences in the general population are insufficient to allow any conclusion about variant significance. c.604_605delinsCA has been reported in the literature in individuals affected with Familial Hypercholesterolemia and Acute Coronary Syndrome (Erasmo_2021, Ghaleb_2022, Salamanca_2017 and Sanchez_2019). In one study of a large Familial Hypercholesterolemia family, the variant was found along with two other variants in relevant genes (LPR6, CYP7A1) in two family members with severe disease, while two less-severely affected family members carried the other two variants but not LDLRAP1 p.Ser202His (Ghaleb_2022). In addition, three unaffected family members carried the variant of interest alone or with one additional variant. This suggests a lack of segregation of the variant with disease in this family. These reports do not provide unequivocal conclusions about association of the variant with Early Onset Coronary Artery Disease. To our knowledge, no experimental evidence demonstrating an impact on protein function has been reported. The following publications have been ascertained in the context of this evaluation (PMID: 34496902, 35323704, 28958330, 31153816). ClinVar contains an entry for this variant (Variation ID: 241063). Based on the evidence outlined above, the variant was classified as likely benign.

Labcorp Genetics (formerly Invitae), Labcorp
Classification: Likely benign for Hypercholesterolemia, familial, 4. Last evaluated: 2026-01-28. Review status: criteria provided, single submitter. Criteria: Invitae Variant Classification Sherloc (09022015). Collection method: clinical testing. Allele origin: germline.

CeGaT Center for Human Genetics Tuebingen
Classification: Likely benign. Last evaluated: 2025-06-01. Review status: criteria provided, single submitter. Criteria: CeGaT Center For Human Genetics Tuebingen Variant Classification Criteria Version 2. Collection method: clinical testing. Allele origin: germline. Affected: yes. Observed: 1 variant allele.
Comment: LDLRAP1: BS2

Molecular Diagnostic Laboratory for Inherited Cardiovascular Disease, Montreal Heart Institute
Classification: Likely benign. Last evaluated: 2025-04-09. Review status: criteria provided, single submitter. Criteria: ACMG Guidelines, 2015. Collection method: clinical testing. Allele origin: germline. Affected: no.

ARUP Laboratories, Molecular Genetics and Genomics, ARUP Laboratories
Classification: Uncertain significance for Hypercholesterolemia, familial, 4. Last evaluated: 2025-03-13. Review status: criteria provided, single submitter. Criteria: ARUP Molecular Germline Variant Investigation Process 2024. Collection method: clinical testing. Allele origin: germline.
Comment: The LDLRAP1 c.604_605delinsCA; p.Ser202His variant (rs386629678) is reported in the literature in individuals affected with familial hypercholesterolemia, although its clinical significance was not conclusively demonstrated (Garcia 2001, Amor-Salamanca 2017, Dâ€™Erasmo 2021, Ghaleb 2022). This variant is found in the general population with an overall allele frequency of 0.12% (335/281882 alleles, including 2 homozygotes) in the Genome Aggregation Database (v2.1.1). Due to limited information, the clinical significance of this variant is uncertain at this time. References: Ghaleb Y et al. Whole Exome/Genome Sequencing Joint Analysis of a Family with Oligogenic Familial Hypercholesterolemia. Metabolites. 2022 Mar 18;12(3):262. PMID: 35323704. D'Erasmo L er al. Long-term efficacy of lipoprotein apheresis and lomitapide in the treatment of homozygous familial hypercholesterolemia (HoFH): a cross-national retrospective survey. Orphanet J Rare Dis. 2021 Sep 8;16(1):381. PMID: 34496902. Amor-Salamanca A et al. Genetically Confirmed Familial Hypercholesterolemia in Patients With Acute Coronary Syndrome. J Am Coll Cardiol. 2017 Oct 3;70(14):1732-1740. PMID: 28958330. Garcia CK et al. Autosomal recessive hypercholesterolemia caused by mutations in a putative LDL receptor adaptor protein. Science. 2001 May 18;292(5520):1394-8. Epub 2001 Apr 26. PMID: 11326085.

Molecular Genetics, Royal Melbourne Hospital
Classification: Uncertain significance for Hypercholesterolemia, familial, 4. Last evaluated: 2023-03-30. Review status: criteria provided, single submitter. Criteria: ACMG Guidelines, 2015. Collection method: clinical testing. Allele origin: germline. Affected: yes.
Comment: This multi-nucleotide sequence change in LDLRAP1 is predicted to replace serine with histidine at codon 202, p.(Ser202His). The serine residue is weakly conserved (100 vertebrates, UCSC), and is a predicted phosphoserine residue. There is a moderate physicochemical difference between serine and histidine. This multi-nucleotide variant (MNV) is present in 332 alleles (including 2 homozygotes) out of approximately 281,788 alleles in gnomAD v2.1 (global population frequency ~0.1%). The MNV has been reported to segregate with hypercholesterolaemia as a consanguineous homozygous occurrence in two affected siblings (PMID: 11326085). It has been reported with conflicting interpretations, as a variant of uncertain significance and likely benign (ClinVar ID: 241063). Multiple lines of computational evidence predict a benign effect for the missense substitution (5/5 algorithms). Based on the classification scheme RMH Modified ACMG Guidelines v1.5.1, this variant is classified as a VARIANT OF UNCERTAIN SIGNIFICANCE. Following criteria are met: PP1, BP4.

GeneDx
Classification: Likely benign. Last evaluated: 2022-12-08. Review status: criteria provided, single submitter. Criteria: GeneDx Variant Classification Process June 2021. Collection method: clinical testing. Allele origin: germline. Affected: yes.
Comment: See Variant Classification Assertion Criteria.

Fulgent Genetics
Classification: Uncertain significance for Hypercholesterolemia, familial, 4. Last evaluated: 2018-10-31. Review status: criteria provided, single submitter. Criteria: ACMG Guidelines, 2015. Collection method: clinical testing. Allele origin: unknown.

Ambry Genetics
Classification: Likely benign for Cardiovascular phenotype. Last evaluated: 2018-05-04. Review status: criteria provided, single submitter. Criteria: Ambry Variant Classification Scheme 2023. Collection method: clinical testing. Allele origin: germline.

Literature cited by the submitters: PubMed 34496902 (cited by Women's Health and Genetics/Laboratory Corporation of America, LabCorp); PubMed 28958330 (cited by Women's Health and Genetics/Laboratory Corporation of America, LabCorp); PubMed 35323704 (cited by Women's Health and Genetics/Laboratory Corporation of America, LabCorp); PubMed 31153816 (cited by Women's Health and Genetics/Laboratory Corporation of America, LabCorp); PubMed 11326085 (cited by Molecular Genetics, Royal Melbourne Hospital).

NM_015627.3(LDLRAP1):c.604_605delinsCA (p.Ser202His)

Gene: LDLRAP1 (low density lipoprotein receptor adaptor protein 1; plus strand). Cytogenetic location: 1p36.11.
Variant type: Indel.
Coding change: c.604_605delinsCA on transcript NM_015627.3 (MANE Select); coding-DNA positions 604 to 605, TC replaced by CA.
Protein change: p.Ser202His; replaces serine 202 with histidine.
Molecular consequence: missense variant.
Genome position (GRCh38, 1-based): chr1:25,563,141-25,563,142, TC replaced by CA. VCF-style: chr1-25563141-TC-CA. GRCh37 (hg19) VCF-style: chr1-25889632-TC-CA.
Other names: c.604_605delTCinsCA (NM_015627.3, NM_015627.2); short protein forms S202H.
Identifiers: ClinVar variation 241063 (VCV000241063.36), dbSNP rs386629678, ClinGen allele CA10581790.